The following is an entry in ClinVar:

NM_017780.4(CHD7):c.2239-4T>G

Gene: CHD7 (chromodomain helicase DNA binding protein 7; plus strand). Cytogenetic location: 8q12.2.
Variant type: single nucleotide variant.
Coding change: c.2239-4T>G on transcript NM_017780.4 (MANE Select); 4 bases into the intron before coding-DNA position 2239, T replaced by G.
Molecular consequence: intron variant.
Genome position (GRCh38, 1-based): chr8:60,800,384, T>G. VCF-style: chr8-60800384-T-G. GRCh37 (hg19) VCF-style: chr8-61712943-T-G.
Other names: c.1716+19334T>G (NM_001316690.1).
Identifiers: ClinVar variation 2786927 (VCV002786927.3), dbSNP rs2487672122, ClinGen allele CA2687395870.
Genomic context (GRCh38, chr8:60,800,384, plus strand): 5'-GCTCGGCCACATTTTTCTTTTTAATCATTAATTTCAAGGCCACTGTCTTGGGTTTTTGTT[T>G]TAGAAGAGACGGTCCAGCAGACAGGTGAAGAGAAAGCGCTACACTGAAGACCTGGAGTTC-3'

ClinVar aggregate classification (germline): Uncertain significance (1 of 4 stars; one submission).

Conditions:
CHARGE syndrome (CHARGE). Also called: Hittner Hirsch Kreh syndrome; CHARGE ASSOCIATION--COLOBOMA, HEART ANOMALY, CHOANAL ATRESIA, RETARDATION, GENITAL AND EAR ANOMALIES; Coloboma, heart anomaly, choanal atresia, retardation, genital and ear anomalies; CHARGE association; Hall-Hittner syndrome. Identifiers: Orphanet 138, MedGen C0265354, MONDO:0008965.

Allele frequency attached by ClinVar (database versions not stated): gnomAD exomes below 0.00001.
gnomAD v4.1: 1 of 1,612,858 alleles (0.000062%); highest among the groups gnomAD compares: Non-Finnish European, 0.000085%; no homozygotes.

Submission:

Labcorp Genetics (formerly Invitae), Labcorp
Classification: Uncertain significance for CHARGE syndrome. Last evaluated: 2023-07-25. Review status: criteria provided, single submitter. Criteria: Invitae Variant Classification Sherloc (09022015). Collection method: clinical testing. Allele origin: germline.
Comment: This sequence change falls in intron 4 of the CHD7 gene. It does not directly change the encoded amino acid sequence of the CHD7 protein. This variant is not present in population databases (gnomAD no frequency). This variant has not been reported in the literature in individuals affected with CHD7-related conditions. Algorithms developed to predict the effect of sequence changes on RNA splicing suggest that this variant may disrupt the consensus splice site. In summary, the available evidence is currently insufficient to determine the role of this variant in disease. Therefore, it has been classified as a Variant of Uncertain Significance.